The following is an entry in ClinVar:

NM_030632.3(ASXL3):c.3970C>A (p.Leu1324Ile)

Gene: ASXL3 (ASXL transcriptional regulator 3; plus strand). Cytogenetic location: 18q12.1.
Variant type: single nucleotide variant.
Coding change: c.3970C>A on transcript NM_030632.3 (MANE Select); coding-DNA position 3970, C replaced by A.
Protein change: p.Leu1324Ile; replaces leucine 1324 with isoleucine.
Molecular consequence: missense variant.
Genome position (GRCh38, 1-based): chr18:33,743,818, C>A. VCF-style: chr18-33743818-C-A. GRCh37 (hg19) VCF-style: chr18-31323782-C-A.
Other names: c.3970C>A (NM_030632.1); short protein forms L1324I.
Identifiers: ClinVar variation 808386 (VCV000808386.45), dbSNP rs779242111, ClinGen allele CA8934147.

ClinVar aggregate classification (germline): Conflicting classifications of pathogenicity. Review status: criteria provided, conflicting classifications (1 of 4 stars). 3 submissions from 3 submitters: Uncertain significance (1); Likely benign (2). Last evaluated 2022-06-01.

Conditions:
Inborn genetic diseases. Identifiers: MedGen C0950123, MeSH D030342.

Allele frequency attached by ClinVar (database versions not stated): TOPMed 0.00001; ExAC 0.00002; gnomAD exomes 0.00002.
gnomAD v4.1: 23 of 1,614,040 alleles (0.0014%); highest among the groups gnomAD compares: Middle Eastern, 0.16%; no homozygotes.

Submissions (3):

CeGaT Center for Human Genetics Tuebingen
Classification: Likely benign. Last evaluated: 2022-06-01. Review status: criteria provided, single submitter. Criteria: CeGaT Center For Human Genetics Tuebingen Variant Classification Criteria Version 2. Collection method: clinical testing. Allele origin: germline. Affected: yes. Observed: 5 variant alleles.
Comment: ASXL3: BP4

Ambry Genetics
Classification: Likely benign for Inborn genetic diseases. Last evaluated: 2021-12-16. Review status: criteria provided, single submitter. Criteria: Ambry Variant Classification Scheme 2023. Collection method: clinical testing. Allele origin: germline.

Breakthrough Genomics
Classification: Uncertain significance. Review status: criteria provided, single submitter. Criteria: ACMG Guidelines, 2015. Collection method: not provided. Allele origin: germline. Inheritance: Autosomal dominant inheritance. Affected: yes.